The following is an entry in ClinVar:

NM_001429.4(EP300):c.5805A>G (p.Ala1935=)

Gene: EP300 (EP300 lysine acetyltransferase; plus strand). Cytogenetic location: 22q13.2.
Variant type: single nucleotide variant.
Coding change: c.5805A>G on transcript NM_001429.4 (MANE Select); coding-DNA position 5805, A replaced by G.
Protein change: p.Ala1935=; no amino-acid change (alanine 1935 retained).
Molecular consequence: synonymous variant.
Genome position (GRCh38, 1-based): chr22:41,177,516, A>G. VCF-style: chr22-41177516-A-G. GRCh37 (hg19) VCF-style: chr22-41573520-A-G.
Other names: c.5727A>G, p.Ala1909= (NM_001362843.2).
Identifiers: ClinVar variation 3037028 (VCV003037028.3), dbSNP rs780678002, ClinGen allele CA10253710.

ClinVar aggregate classification (germline): Benign. Review status: criteria provided, single submitter (1 of 4 stars). 2 submissions from 2 submitters: Benign (1). 1 of the submissions does not count toward it. Last evaluated 2026-01-01.

Conditions:
Rubinstein-Taybi syndrome due to EP300 haploinsufficiency. Also called: EP300-Related Rubinstein-Taybi Syndrome; RUBINSTEIN-TAYBI SYNDROME 2. Identifiers: Orphanet 353284, Orphanet 783, MedGen C3150941, MONDO:0013364, OMIM 613684.
EP300-related disorder. Also called: EP300-related condition; EP300-related disorders.

Allele frequency attached by ClinVar (database versions not stated): ExAC 0.00001; TOPMed 0.00002; gnomAD 0.00003.
gnomAD v4.1: 4 of 1,614,096 alleles (0.00025%); highest among the groups gnomAD compares: African/African-American, 0.004%; no homozygotes.

Submissions (2):

Labcorp Genetics (formerly Invitae), Labcorp
Classification: Benign for Rubinstein-Taybi syndrome due to EP300 haploinsufficiency. Last evaluated: 2026-01-01. Review status: criteria provided, single submitter. Criteria: Invitae Variant Classification Sherloc (09022015). Collection method: clinical testing. Allele origin: germline.

PreventionGenetics, part of Exact Sciences
Classification: Likely benign for EP300-related condition. Last evaluated: 2023-02-10. Review status: no assertion criteria provided. Collection method: clinical testing. Allele origin: germline. Not counted in ClinVar's aggregate classification.
Comment: This variant is classified as likely benign based on ACMG/AMP sequence variant interpretation guidelines (Richards et al. 2015 PMID: 25741868, with internal and published modifications).